The following is an entry in ClinVar:

NM_017617.5(NOTCH1):c.2136C>A (p.Thr712=)

Gene: NOTCH1 (notch receptor 1; minus strand). Cytogenetic location: 9q34.3.
Variant type: single nucleotide variant.
Coding change: c.2136C>A on transcript NM_017617.5 (MANE Select); coding-DNA position 2136, C replaced by A.
Protein change: p.Thr712=; no amino-acid change (threonine 712 retained).
Molecular consequence: synonymous variant.
Genome position (GRCh38, 1-based): chr9:136,514,581, G>T on the plus strand (C>A on the coding strand, the complement: NOTCH1 is on the minus strand). VCF-style: chr9-136514581-G-T. GRCh37 (hg19) VCF-style: chr9-139409033-G-T.
Other names: p.Thr712=; c.2136C>A, p.Thr712= (LRG_1122t1); c.2136C>A (NM_017617.4).
Identifiers: ClinVar variation 391635 (VCV000391635.39), dbSNP rs369346436, ClinGen allele CA5341471.
Genomic context (GRCh38, chr9:136,514,581, plus strand): 5'-GTCCCGGCAGGCCCCGTGGACGCAGGGGTTGCTGTTGCACTCATTGACCTCAGACAGGCA[G>T]GTGGGGTCGTGGTAGCCCTCGGGGCAGCGGCAGGTGAAGCCATTGATGCCGTCCTCGCAG-3'
Protein context (NP_060087.3, residues 702-722): CRCPEGYHDP[Thr712=]CLSEVNECNS

ClinVar aggregate classification (germline): Benign/Likely benign. Review status: criteria provided, multiple submitters, no conflicts (2 of 4 stars). 11 submissions from 10 submitters: Benign (7); Likely benign (4). Last evaluated 2026-08-01.

Conditions:
Familial thoracic aortic aneurysm and aortic dissection (TAAD). Also called: Thoracic aortic aneurysms and dissections. Identifiers: Orphanet 91387, MedGen C4707243, MONDO:0019625.
Connective tissue disorder. Also called: Connective tissue disease. Identifiers: MedGen C0009782, MONDO:0003900.
Adams-Oliver syndrome 5 (AOS5). Identifiers: Orphanet 974, MedGen C4014970, MONDO:0014459, OMIM 616028.
Aortic valve disease 1 (AOVD1). Identifiers: MedGen C3887892, MONDO:0024523, OMIM 109730.

Allele frequency attached by ClinVar (database versions not stated): 1000 Genomes Project 30x 0.00016; gnomAD exomes 0.00047 and 0.00100; gnomAD 0.00053 and 0.00054; TOPMed 0.00059; ESP Exome Variant Server 0.00063; ExAC 0.00116.
gnomAD v4.1: 805 of 1,608,252 alleles (0.05%); highest among the groups gnomAD compares: Middle Eastern, 0.017%; 5 homozygotes.

Submissions (11):

CeGaT Center for Human Genetics Tuebingen
Classification: Likely benign. Last evaluated: 2026-08-01. Review status: criteria provided, single submitter. Criteria: CeGaT Center For Human Genetics Tuebingen Variant Classification Criteria Version 2. Collection method: clinical testing. Allele origin: germline. Affected: yes. Observed: 2 variant alleles.
Comment: NOTCH1: BP4, BP7

Labcorp Genetics (formerly Invitae), Labcorp
Classification: Benign for Adams-Oliver syndrome 5. Last evaluated: 2026-02-01. Review status: criteria provided, single submitter. Criteria: Invitae Variant Classification Sherloc (09022015). Collection method: clinical testing. Allele origin: germline.

Blueprint Genetics
Classification: Likely benign. Last evaluated: 2024-11-23. Review status: criteria provided, single submitter. Criteria: ACMG Guidelines, 2015. Collection method: clinical testing. Allele origin: germline.

Mayo Clinic Laboratories, Mayo Clinic
Classification: Benign. Last evaluated: 2024-10-02. Review status: criteria provided, single submitter. Criteria: ACMG Guidelines, 2015. Collection method: clinical testing. Allele origin: germline. Observed: 1 variant allele.
Comment: BS1, BS2, BP4, BP7

ARUP Laboratories, Molecular Genetics and Genomics, ARUP Laboratories
Classification: Benign. Last evaluated: 2023-12-08. Review status: criteria provided, single submitter. Criteria: ARUP Molecular Germline Variant Investigation Process 2024. Collection method: clinical testing. Allele origin: germline.

Women's Health and Genetics/Laboratory Corporation of America, LabCorp
Classification: Benign. Last evaluated: 2023-07-30. Review status: criteria provided, single submitter. Criteria: LabCorp Variant Classification Summary - May 2015. Collection method: clinical testing. Allele origin: germline.

Genome-Nilou Lab
Classification: Benign for Adams-Oliver syndrome 5. Last evaluated: 2022-03-15. Review status: criteria provided, single submitter. Criteria: ACMG Guidelines, 2015. Collection method: clinical testing. Allele origin: germline. Affected: no.

Genome-Nilou Lab
Classification: Benign for Aortic valve disease 1. Last evaluated: 2022-03-15. Review status: criteria provided, single submitter. Criteria: ACMG Guidelines, 2015. Collection method: clinical testing. Allele origin: germline. Affected: no.

GeneDx
Classification: Benign. Last evaluated: 2018-09-12. Review status: criteria provided, single submitter. Criteria: GeneDx Variant Classification Process June 2021. Collection method: clinical testing. Allele origin: germline. Affected: yes.

Center for Human Genetics, Inc
Classification: Likely benign for Connective tissue disorder. Last evaluated: 2016-11-01. Review status: criteria provided, single submitter. Criteria: ACMG Guidelines, 2015. Collection method: clinical testing. Allele origin: germline. Affected: yes.

Ambry Genetics
Classification: Likely benign for Familial thoracic aortic aneurysm and aortic dissection. Last evaluated: 2016-01-21. Review status: criteria provided, single submitter. Criteria: Ambry Variant Classification Scheme 2023. Collection method: clinical testing. Allele origin: germline.

Literature cited by the submitters: PubMed 24943832 (cited by Women's Health and Genetics/Laboratory Corporation of America, LabCorp); PubMed 16614245 (cited by Women's Health and Genetics/Laboratory Corporation of America, LabCorp); PubMed 21670202 (cited by Women's Health and Genetics/Laboratory Corporation of America, LabCorp); PubMed 22210878 (cited by Women's Health and Genetics/Laboratory Corporation of America, LabCorp); PubMed 19635999 (cited by Women's Health and Genetics/Laboratory Corporation of America, LabCorp); PubMed 26837699 (cited by Women's Health and Genetics/Laboratory Corporation of America, LabCorp); PubMed 23086750 (cited by Women's Health and Genetics/Laboratory Corporation of America, LabCorp); PubMed 19245433 (cited by Women's Health and Genetics/Laboratory Corporation of America, LabCorp); PubMed 22077063 (cited by Women's Health and Genetics/Laboratory Corporation of America, LabCorp); PubMed 15472075 (cited by Women's Health and Genetics/Laboratory Corporation of America, LabCorp); PubMed 23734977 (cited by Women's Health and Genetics/Laboratory Corporation of America, LabCorp); PubMed 22858860 (cited by Women's Health and Genetics/Laboratory Corporation of America, LabCorp).